The following is an entry in ClinVar:

ClinVar aggregate classification (germline): Uncertain significance (1 of 4 stars; one submission).

Conditions:
Hereditary cancer-predisposing syndrome. Also called: Neoplastic Syndromes, Hereditary; Tumor predisposition; Hereditary Cancer Syndrome; Hereditary neoplastic syndrome. Identifiers: Orphanet 140162, MedGen C0027672, MeSH D009386, MONDO:0015356.

Submission:

Ambry Genetics
Classification: Uncertain significance for Hereditary cancer-predisposing syndrome. Last evaluated: 2026-05-21. Review status: criteria provided, single submitter. Criteria: Ambry Variant Classification Scheme 2023. Collection method: clinical testing. Allele origin: germline.
Comment: The p.T1023A variant (also known as c.3067A>G), located in coding exon 20 of the RAD50 gene, results from an A to G substitution at nucleotide position 3067. The threonine at codon 1023 is replaced by alanine, an amino acid with similar properties. This amino acid position is conserved. In addition, the in silico prediction for this alteration is inconclusive. Based on the available evidence, the clinical significance of this variant remains unclear.

NM_005732.4(RAD50):c.3067A>G (p.Thr1023Ala)

Gene: RAD50 (RAD50 double strand break repair protein; plus strand). Cytogenetic location: 5q31.1.
Variant type: single nucleotide variant.
Coding change: c.3067A>G on transcript NM_005732.4 (MANE Select); coding-DNA position 3067, A replaced by G.
Protein change: p.Thr1023Ala; replaces threonine 1023 with alanine.
Molecular consequence: missense variant.
Genome position (GRCh38, 1-based): chr5:132,616,033, A>G. VCF-style: chr5-132616033-A-G. GRCh37 (hg19) VCF-style: chr5-131951725-A-G.
Other names: short protein forms T1023A.
Identifiers: ClinVar variation 4862850 (VCV004862850.1).